The following is an entry in ClinVar:

NM_006842.3(SF3B2):c.538CAG[3] (p.Gln181_Lys182insGln)

Gene: SF3B2 (splicing factor 3b subunit 2; plus strand). Cytogenetic location: 11q13.1.
Variant type: Microsatellite.
Coding change: c.538CAG[3] on transcript NM_006842.3 (MANE Select); three copies in a row of the 3-base unit CAG starting at c.538; the reference has two copies in a row; one copy, 3 bases duplicated.
Protein change: p.Gln181_Lys182insGln.
Molecular consequence: inframe insertion.
Genome position (GRCh38, 1-based): chr11:66,055,577-66,055,579, CAG duplicated; duplicating any 3 consecutive bases within chr11:66,055,572-66,055,579 gives the same sequence; the position shown is the placement nearest the transcript's 3' end. VCF-style (leftmost placement, unchanged base first): chr11-66055571-G-GAGC. GRCh37 (hg19) VCF-style: chr11-65823042-G-GAGC.
Identifiers: ClinVar variation 3026360 (VCV003026360.22), dbSNP rs1856979888, ClinGen allele CA1979485184.
Genomic context (GRCh38, chr11:66,055,571, plus strand): 5'-TATGAACTTGTTTTCTTTTTTAAGCAGGGAGATCATTCGCTGAAGGAACATGAGCTCTTG[G>GAGC]AGCAGCAGAAGCGGGTAATACCCCTCCCCCTAACCTTTGACCTCGTGGTCCAGTCAGTTG-3'

ClinVar aggregate classification (germline): Uncertain significance (1 of 4 stars; one submission).

Submission:

CeGaT Center for Human Genetics Tuebingen
Classification: Uncertain significance. Last evaluated: 2024-01-01. Review status: criteria provided, single submitter. Criteria: CeGaT Center For Human Genetics Tuebingen Variant Classification Criteria Version 2. Collection method: clinical testing. Allele origin: germline. Affected: yes. Observed: 1 variant allele.
Comment: SF3B2: PM2, PM4:Supporting